The following is an entry in ClinVar:

NM_004963.4(GUCY2C):c.3050A>T (p.Glu1017Val)

Genes: GUCY2C (guanylate cyclase 2C; minus strand), PLBD1-AS1 (PLBD1 antisense RNA 1; plus strand). Cytogenetic location: 12p12.3.
Variant type: single nucleotide variant.
Coding change: c.3050A>T on transcript NM_004963.4 (MANE Select); coding-DNA position 3050, A replaced by T.
Protein change: p.Glu1017Val; replaces glutamic acid 1017 with valine.
Molecular consequence: missense variant.
Genome position (GRCh38, 1-based): chr12:14,613,289, T>A on the plus strand (A>T on the coding strand, the complement: GUCY2C is on the minus strand). VCF-style: chr12-14613289-T-A. GRCh37 (hg19) VCF-style: chr12-14766223-T-A.
Other names: short protein forms E1017V.
Identifiers: ClinVar variation 1973762 (VCV001973762.5), dbSNP rs2497573791, ClinGen allele CA383989723.
Genomic context (GRCh38, chr12:14,613,289, plus strand): 5'-CTTTTCTGTAAAGAGTTGGCAATCATGTCTGAAAATTCTGCTTGCAAACGCTGTTGATTC[T>A]CCCTGGAAACAGAGTGGGAAGAGAAAATAGAACTTCTCAGCAATTCATACAGAATATTCC-3'
Protein context (NP_004954.2, residues 1007-1027): KFNLPTPPTV[Glu1017Val]NQQRLQAEFS

ClinVar aggregate classification (germline): Uncertain significance (1 of 4 stars; one submission).

Submission:

Labcorp Genetics (formerly Invitae), Labcorp
Classification: Uncertain significance. Last evaluated: 2022-10-07. Review status: criteria provided, single submitter. Criteria: Invitae Variant Classification Sherloc (09022015). Collection method: clinical testing. Allele origin: germline.
Comment: This sequence change replaces glutamic acid, which is acidic and polar, with valine, which is neutral and non-polar, at codon 1017 of the GUCY2C protein (p.Glu1017Val). This variant is not present in population databases (gnomAD no frequency). This variant has not been reported in the literature in individuals affected with GUCY2C-related conditions. Algorithms developed to predict the effect of missense changes on protein structure and function are either unavailable or do not agree on the potential impact of this missense change (SIFT: "Deleterious"; PolyPhen-2: "Probably Damaging"; Align-GVGD: "Class C0"). In summary, the available evidence is currently insufficient to determine the role of this variant in disease. Therefore, it has been classified as a Variant of Uncertain Significance.